The following is an entry in ClinVar:

NM_003442.6(ZNF143):c.1594C>A (p.Pro532Thr)

Gene: ZNF143 (zinc finger protein 143; plus strand). Cytogenetic location: 11p15.4.
Variant type: single nucleotide variant.
Coding change: c.1594C>A on transcript NM_003442.6 (MANE Select); coding-DNA position 1594, C replaced by A.
Protein change: p.Pro532Thr; replaces proline 532 with threonine.
Molecular consequence: missense variant.
Genome position (GRCh38, 1-based): chr11:9,516,270, C>A. VCF-style: chr11-9516270-C-A. GRCh37 (hg19) VCF-style: chr11-9537817-C-A.
Other names: c.1591C>A, p.Pro531Thr (NM_001282656.2); c.1501C>A, p.Pro501Thr (NM_001282657.2); short protein forms P532T, P501T, P531T.
Identifiers: ClinVar variation 2749581 (VCV002749581.3), dbSNP rs1368877004, ClinGen allele CA379630512.
Genomic context (GRCh38, chr11:9,516,270, plus strand): 5'-TCTCAAGCTGACATGCAGGCCATTGGCAACACCATCACAATGGTAACGCAGGATGGCACG[C>A]CCATCACAGTCCCCGCCCATGATGCAGTCATCTCCTCAGCAGGAACGCACTCTGTTGCTA-3'
Protein context (NP_003433.3, residues 522-542): TITMVTQDGT[Pro532Thr]ITVPAHDAVI

ClinVar aggregate classification (germline): Uncertain significance (1 of 4 stars; one submission).

Submission:

Labcorp Genetics (formerly Invitae), Labcorp
Classification: Uncertain significance. Last evaluated: 2023-08-02. Review status: criteria provided, single submitter. Criteria: Invitae Variant Classification Sherloc (09022015). Collection method: clinical testing. Allele origin: germline.
Comment: This variant has not been reported in the literature in individuals affected with ZNF143-related conditions. This variant is not present in population databases (gnomAD no frequency). This sequence change replaces proline, which is neutral and non-polar, with threonine, which is neutral and polar, at codon 532 of the ZNF143 protein (p.Pro532Thr). An algorithm developed to predict the effect of missense changes on protein structure and function (PolyPhen-2) suggests that this variant is likely to be tolerated. In summary, the available evidence is currently insufficient to determine the role of this variant in disease. Therefore, it has been classified as a Variant of Uncertain Significance.